The following is an entry in ClinVar:

NM_022552.5(DNMT3A):c.1722A>G (p.Ala574=)

Gene: DNMT3A (DNA methyltransferase 3 alpha; minus strand). Cytogenetic location: 2p23.3.
Variant type: single nucleotide variant.
Coding change: c.1722A>G on transcript NM_022552.5 (MANE Select); coding-DNA position 1722, A replaced by G.
Protein change: p.Ala574=; no amino-acid change (alanine 574 retained).
Molecular consequence: synonymous variant. On other transcripts: non-coding transcript variant (1).
Genome position (GRCh38, 1-based): chr2:25,244,284, T>C on the plus strand (A>G on the coding strand, the complement: DNMT3A is on the minus strand). VCF-style: chr2-25244284-T-C. GRCh37 (hg19) VCF-style: chr2-25467153-T-C.
Other names: c.1266A>G, p.Ala422= (NM_001320893.1); c.1053A>G, p.Ala351= (NM_001375819.1); c.1155A>G, p.Ala385= (NM_153759.3); c.1722A>G, p.Ala574= (NM_175629.2).
Identifiers: ClinVar variation 4870008 (VCV004870008.3).

ClinVar aggregate classification (germline): Likely benign. Review status: criteria provided, multiple submitters, no conflicts (2 of 4 stars). 2 submissions from 2 submitters: Likely benign (2). Last evaluated 2026-05-01.

Conditions:
Inborn genetic diseases. Identifiers: MedGen C0950123, MeSH D030342.

gnomAD v4.1: 1 of 1,612,990 alleles (0.000062%); highest among the groups gnomAD compares: East Asian, 0.0022%; no homozygotes.

Submissions (2):

CeGaT Center for Human Genetics Tuebingen
Classification: Likely benign. Last evaluated: 2026-05-01. Review status: criteria provided, single submitter. Criteria: CeGaT Center For Human Genetics Tuebingen Variant Classification Criteria Version 2. Collection method: clinical testing. Allele origin: germline. Affected: yes. Observed: 1 variant allele.
Comment: DNMT3A: BP4, BP7

Ambry Genetics
Classification: Likely benign for Inborn genetic diseases. Last evaluated: 2026-04-18. Review status: criteria provided, single submitter. Criteria: Ambry Variant Classification Scheme 2023. Collection method: clinical testing. Allele origin: germline.